The following is an entry in ClinVar:

NM_001267550.2(TTN):c.5419C>A (p.Pro1807Thr)

Gene: TTN (titin; minus strand). Cytogenetic location: 2q31.2.
Variant type: single nucleotide variant.
Coding change: c.5419C>A on transcript NM_001267550.2 (MANE Select); coding-DNA position 5419, C replaced by A.
Protein change: p.Pro1807Thr; replaces proline 1807 with threonine.
Molecular consequence: missense variant.
Genome position (GRCh38, 1-based): chr2:178,776,445, G>T on the plus strand (C>A on the coding strand, the complement: TTN is on the minus strand). VCF-style: chr2-178776445-G-T. GRCh37 (hg19) VCF-style: chr2-179641172-G-T.
Other names: p.P1807T:CCT>ACT; c.5419C>A, p.Pro1807Thr (NM_001256850.1, NM_133378.4, NM_133379.5); c.5281C>A, p.Pro1761Thr (NM_003319.4, NM_133432.3, NM_133437.4); short protein forms P1807T, P1761T.
Identifiers: ClinVar variation 192082 (VCV000192082.2), dbSNP rs200563229, ClinGen allele CA302561.

ClinVar aggregate classification (germline): Uncertain significance. Review status: criteria provided, multiple submitters, no conflicts (2 of 4 stars). 2 submissions from 2 submitters: Uncertain significance (2). Last evaluated 2017-12-18.

gnomAD v4.1: 38 of 1,608,876 alleles (0.0024%); highest among the groups gnomAD compares: Admixed American, 0.005%; no homozygotes.

Submissions (2):

GeneDx
Classification: Uncertain significance. Last evaluated: 2017-12-18. Review status: criteria provided, single submitter. Criteria: GeneDx Variant Classification (06012015). Collection method: clinical testing. Allele origin: germline. Affected: yes.
Comment: The P1807T variant in the TTN gene was initially reported as a variant of uncertain significance in a cohort of 870 individuals undergoing whole exome sequencing, and were not selected for cardiac disease (Ng et al., 2013). The P1807T variant is not observed at any significant frequency in large population cohorts (Lek et al., 2016). This variant is a non-conservative amino acid substitution, which is likely to impact secondary protein structure as these residues differ in polarity, charge, size and/or other properties. Moreover, in-silico analyses, including protein predictors and evolutionary conservation, support a deleterious effect. Nevertheless, this is a missense variant in a gene in which most reported pathogenic variants associated with cardiomyopathy are truncating/loss-of-function (Stenson et al., 2014).Therefore, based on the currently available information, it is unclear whether this variant is pathogenic or rare benign.

Biesecker Lab/Clinical Genomics Section, National Institutes of Health
Classification: Uncertain significance. Last evaluated: 2013-06-24. Review status: criteria provided, single submitter. Criteria: Ng et al. (Circ Cardiovasc Genet. 2013). Collection method: research. Allele origin: unknown. Observed: 1 variant allele. Study: ClinSeq.
Comment: The study set was not selected for affection status in relation to any cancer. Pathogenicity categories were based on literature curation. See Pubmed ID:23861362 for details.

Medical sequencing